The following is an entry in ClinVar:

ClinVar aggregate classification (germline): Uncertain significance (1 of 4 stars; one submission).

Submission:

Labcorp Genetics (formerly Invitae), Labcorp
Classification: Uncertain significance. Last evaluated: 2024-09-17. Review status: criteria provided, single submitter. Criteria: Invitae Variant Classification Sherloc (09022015). Collection method: clinical testing. Allele origin: germline.
Comment: This sequence change replaces asparagine, which is neutral and polar, with serine, which is neutral and polar, at codon 30 of the KLHL9 protein (p.Asn30Ser). This variant is present in population databases (no rsID available, gnomAD 0.0009%). This variant has not been reported in the literature in individuals affected with KLHL9-related conditions. Invitae Evidence Modeling of protein sequence and biophysical properties (such as structural, functional, and spatial information, amino acid conservation, physicochemical variation, residue mobility, and thermodynamic stability) indicates that this missense variant is not expected to disrupt KLHL9 protein function with a negative predictive value of 80%. In summary, the available evidence is currently insufficient to determine the role of this variant in disease. Therefore, it has been classified as a Variant of Uncertain Significance.

NM_018847.4(KLHL9):c.89A>G (p.Asn30Ser)

Gene: KLHL9 (kelch like family member 9; minus strand). Cytogenetic location: 9p21.3.
Variant type: single nucleotide variant.
Coding change: c.89A>G on transcript NM_018847.4 (MANE Select); coding-DNA position 89, A replaced by G.
Protein change: p.Asn30Ser; replaces asparagine 30 with serine.
Molecular consequence: missense variant.
Genome position (GRCh38, 1-based): chr9:21,334,771, T>C on the plus strand (A>G on the coding strand, the complement: KLHL9 is on the minus strand). VCF-style: chr9-21334771-T-C. GRCh37 (hg19) VCF-style: chr9-21334770-T-C.
Other names: short protein forms N30S.
Identifiers: ClinVar variation 3622894 (VCV003622894.2).